The following is an entry in ClinVar:

ClinVar aggregate classification (germline): Uncertain significance (1 of 4 stars; one submission).

Allele frequency attached by ClinVar (database versions not stated): gnomAD exomes 0.00001.
gnomAD v4.1: 3 of 1,614,230 alleles (0.00019%); highest among the groups gnomAD compares: Non-Finnish European, 0.00025%; no homozygotes.

Submission:

Labcorp Genetics (formerly Invitae), Labcorp
Classification: Uncertain significance. Last evaluated: 2025-05-13. Review status: criteria provided, single submitter. Criteria: Invitae Variant Classification Sherloc (09022015). Collection method: clinical testing. Allele origin: germline.
Comment: This sequence change replaces glycine, which is neutral and non-polar, with aspartic acid, which is acidic and polar, at codon 367 of the CNTNAP1 protein (p.Gly367Asp). This variant is not present in population databases (gnomAD no frequency). This variant has not been reported in the literature in individuals affected with CNTNAP1-related conditions. ClinVar contains an entry for this variant (Variation ID: 1362785). An algorithm developed to predict the effect of missense changes on protein structure and function (PolyPhen-2) suggests that this variant is likely to be disruptive. In summary, the available evidence is currently insufficient to determine the role of this variant in disease. Therefore, it has been classified as a Variant of Uncertain Significance.

NM_003632.3(CNTNAP1):c.1100G>A (p.Gly367Asp)

Gene: CNTNAP1 (contactin associated protein 1; plus strand). Cytogenetic location: 17q21.2.
Variant type: single nucleotide variant.
Coding change: c.1100G>A on transcript NM_003632.3 (MANE Select); coding-DNA position 1100, G replaced by A.
Protein change: p.Gly367Asp; replaces glycine 367 with aspartic acid.
Molecular consequence: missense variant.
Genome position (GRCh38, 1-based): chr17:42,687,775, G>A. VCF-style: chr17-42687775-G-A. GRCh37 (hg19) VCF-style: chr17-40839793-G-A.
Other names: short protein forms G367D.
Identifiers: ClinVar variation 1362785 (VCV001362785.8), dbSNP rs2143655542, ClinGen allele CA399637731.